The following is an entry in ClinVar:

ClinVar aggregate classification (germline): Likely benign (0 of 4 stars; one submission).

Conditions:
TRPC5-related disorder. Also called: TRPC5-related condition.

Allele frequency attached by ClinVar (database versions not stated): ESP Exome Variant Server 0.00009; TOPMed 0.00011; ExAC 0.00016; gnomAD exomes 0.00018; 1000 Genomes Project 30x 0.00021; gnomAD 0.00025; 1000 Genomes Project 0.00026.
gnomAD v4.1: 214 of 1,148,452 alleles (0.019%); highest among the groups gnomAD compares: Non-Finnish European, 0.014%; no homozygotes.

Submission:

PreventionGenetics, part of Exact Sciences
Classification: Likely benign for TRPC5-related condition. Last evaluated: 2021-08-11. Review status: no assertion criteria provided. Collection method: clinical testing. Allele origin: germline.
Comment: This variant is classified as likely benign based on ACMG/AMP sequence variant interpretation guidelines (Richards et al. 2015 PMID: 25741868, with internal and published modifications).

NM_012471.3(TRPC5):c.2232+9A>G

Gene: TRPC5 (transient receptor potential cation channel subfamily C member 5; minus strand). Cytogenetic location: Xq23.
Variant type: single nucleotide variant.
Coding change: c.2232+9A>G on transcript NM_012471.3 (MANE Select); 9 bases into the intron after coding-DNA position 2232, A replaced by G.
Molecular consequence: intron variant.
Genome position (GRCh38, 1-based): chrX:111,778,976, T>C on the plus strand (A>G on the coding strand, the complement: TRPC5 is on the minus strand). VCF-style: chrX-111778976-T-C. GRCh37 (hg19) VCF-style: chrX-111022204-T-C.
Identifiers: ClinVar variation 3031888 (VCV003031888.2), dbSNP rs192563340, ClinGen allele CA10494184.